The following is an entry in ClinVar:

ClinVar aggregate classification (germline): Uncertain significance (1 of 4 stars; one submission).

Allele frequency attached by ClinVar (database versions not stated): gnomAD exomes below 0.00001.
gnomAD v4.1: 2 of 1,613,496 alleles (0.00012%); highest among the groups gnomAD compares: Admixed American, 0.0033%; no homozygotes.

Submission:

Labcorp Genetics (formerly Invitae), Labcorp
Classification: Uncertain significance. Last evaluated: 2025-12-31. Review status: criteria provided, single submitter. Criteria: Invitae Variant Classification Sherloc (09022015). Collection method: clinical testing. Allele origin: germline.
Comment: This sequence change replaces methionine, which is neutral and non-polar, with threonine, which is neutral and polar, at codon 311 of the CFI protein (p.Met311Thr). This variant is not present in population databases (gnomAD no frequency). This variant has not been reported in the literature in individuals affected with CFI-related conditions. ClinVar contains an entry for this variant (Variation ID: 1499941). Invitae Evidence Modeling of protein sequence and biophysical properties (such as structural, functional, and spatial information, amino acid conservation, physicochemical variation, residue mobility, and thermodynamic stability) has been performed for this missense variant. However, the output from this modeling did not meet the statistical confidence thresholds required to predict the impact of this variant on CFI protein function. In summary, the available evidence is currently insufficient to determine the role of this variant in disease. Therefore, it has been classified as a Variant of Uncertain Significance.

NM_000204.5(CFI):c.932T>C (p.Met311Thr)

Gene: CFI (complement factor I; minus strand). Cytogenetic location: 4q25.
Variant type: single nucleotide variant.
Coding change: c.932T>C on transcript NM_000204.5 (MANE Select); coding-DNA position 932, T replaced by C.
Protein change: p.Met311Thr; replaces methionine 311 with threonine.
Molecular consequence: missense variant. On other transcripts: non-coding transcript variant (3), intron variant (1).
Genome position (GRCh38, 1-based): chr4:109,752,476, A>G on the plus strand (T>C on the coding strand, the complement: CFI is on the minus strand). VCF-style: chr4-109752476-A-G. GRCh37 (hg19) VCF-style: chr4-110673632-A-G.
Other names: c.956T>C, p.Met319Thr (NM_001318057.2, NM_001375278.1); c.911T>C, p.Met304Thr (NM_001331035.2, NM_001375280.1, NM_001375282.1); c.932T>C, p.Met311Thr (NM_001375279.1, NM_001375281.1); c.323T>C, p.Met108Thr (NM_001375284.1); c.884-2874T>C (NM_001375283.1); short protein forms M311T, M319T, M108T, M304T.
Identifiers: ClinVar variation 1499941 (VCV001499941.8), dbSNP rs2126196188, ClinGen allele CA357859455.